The following is an entry in ClinVar:

ClinVar aggregate classification (germline): Uncertain significance (1 of 4 stars; one submission).

Conditions:
Alstrom syndrome (ALMS). Identifiers: Orphanet 64, MedGen C0268425, MONDO:0008763, OMIM 203800.

Allele frequency attached by ClinVar (database versions not stated): TOPMed below 0.00001; gnomAD 0.00001; gnomAD exomes 0.00001.
gnomAD v4.1: 6 of 1,614,082 alleles (0.00037%); highest among the groups gnomAD compares: Non-Finnish European, 0.00051%; no homozygotes.

Submission:

Labcorp Genetics (formerly Invitae), Labcorp
Classification: Uncertain significance for Alstrom syndrome. Last evaluated: 2024-03-01. Review status: criteria provided, single submitter. Criteria: Invitae Variant Classification Sherloc (09022015). Collection method: clinical testing. Allele origin: germline.
Comment: This sequence change replaces serine, which is neutral and polar, with arginine, which is basic and polar, at codon 2832 of the ALMS1 protein (p.Ser2832Arg). This variant is present in population databases (no rsID available, gnomAD 0.0009%). This variant has not been reported in the literature in individuals affected with ALMS1-related conditions. ClinVar contains an entry for this variant (Variation ID: 2039542). Experimental studies and prediction algorithms are not available or were not evaluated, and the functional significance of this variant is currently unknown. In summary, the available evidence is currently insufficient to determine the role of this variant in disease. Therefore, it has been classified as a Variant of Uncertain Significance.

NM_001378454.1(ALMS1):c.8491A>C (p.Ser2831Arg)

Gene: ALMS1 (ALMS1 centrosome and basal body associated protein; plus strand). Cytogenetic location: 2p13.1.
Variant type: single nucleotide variant.
Coding change: c.8491A>C on transcript NM_001378454.1 (MANE Select); coding-DNA position 8491, A replaced by C.
Protein change: p.Ser2831Arg; replaces serine 2831 with arginine.
Molecular consequence: missense variant.
Genome position (GRCh38, 1-based): chr2:73,490,450, A>C. VCF-style: chr2-73490450-A-C. GRCh37 (hg19) VCF-style: chr2-73717577-A-C.
Other names: c.8494A>C, p.Ser2832Arg (NM_015120.4); short protein forms S2831R, S2832R.
Identifiers: ClinVar variation 2039542 (VCV002039542.3), dbSNP rs962042623, ClinGen allele CA50378706.